The following is an entry in ClinVar:

ClinVar aggregate classification (germline): Likely benign. Review status: criteria provided, single submitter (1 of 4 stars). 2 submissions from 2 submitters: Likely benign (1). 1 of the submissions does not count toward it. Last evaluated 2024-01-29.

Conditions:
VPS13B-related disorder. Also called: VPS13B-related condition.
Cohen syndrome (COH1). Also called: Cutis verticis gyrata, retinitis pigmentosa, and sensorineural deafness; PEPPER SYNDROME. Identifiers: Orphanet 193, MedGen C0265223, MONDO:0008999, OMIM 216550.

Allele frequency attached by ClinVar (database versions not stated): gnomAD 0.00001; gnomAD exomes 0.00001; TOPMed 0.00003.
gnomAD v4.1: 5 of 1,613,930 alleles (0.00031%); highest among the groups gnomAD compares: East Asian, 0.0022%; no homozygotes.

Submissions (2):

Labcorp Genetics (formerly Invitae), Labcorp
Classification: Likely benign for Cohen syndrome. Last evaluated: 2024-01-29. Review status: criteria provided, single submitter. Criteria: Invitae Variant Classification Sherloc (09022015). Collection method: clinical testing. Allele origin: germline.

PreventionGenetics, part of Exact Sciences
Classification: Likely benign for VPS13B-related condition. Last evaluated: 2024-02-07. Review status: no assertion criteria provided. Collection method: clinical testing. Allele origin: germline. Not counted in ClinVar's aggregate classification.
Comment: This variant is classified as likely benign based on ACMG/AMP sequence variant interpretation guidelines (Richards et al. 2015 PMID: 25741868, with internal and published modifications).

NM_152564.5(VPS13B):c.7188A>G (p.Val2396=)

Gene: VPS13B (vacuolar protein sorting 13 homolog B; plus strand). Cytogenetic location: 8q22.2.
Variant type: single nucleotide variant.
Coding change: c.7188A>G on transcript NM_152564.5 (MANE Select); coding-DNA position 7188, A replaced by G.
Protein change: p.Val2396=; no amino-acid change (valine 2396 retained).
Molecular consequence: synonymous variant.
Genome position (GRCh38, 1-based): chr8:99,766,911, A>G. VCF-style: chr8-99766911-A-G. GRCh37 (hg19) VCF-style: chr8-100779139-A-G.
Other names: c.7263A>G, p.Val2421= (NM_017890.5); c.7188A>G (NM_152564.4).
Identifiers: ClinVar variation 1094455 (VCV001094455.10), dbSNP rs928101727, ClinGen allele CA183039786.